The following is an entry in ClinVar:

NM_182493.3(MYLK3):c.2279_2296del (p.Ser760_Leu765del)

Gene: MYLK3 (myosin light chain kinase 3; minus strand). Cytogenetic location: 16q11.2.
Variant type: Deletion.
Coding change: c.2279_2296del on transcript NM_182493.3 (MANE Select); coding-DNA positions 2279 to 2296, 18 bases deleted (GTGCCACACAGTGCCTGA).
Protein change: p.Ser760_Leu765del.
Molecular consequence: inframe deletion.
Genome position (GRCh38, 1-based): chr16:46,709,643-46,709,660, TCAGGCACTGTGTGGCAC deleted on the plus strand (GTGCCACACAGTGCCTGA on the coding strand, the reverse complement: MYLK3 is on the minus strand); deleting any 18 consecutive bases within chr16:46,709,643-46,709,663 gives the same sequence; the c. name uses the placement nearest the transcript's 3' end. VCF-style (leftmost placement, unchanged base first): chr16-46709642-TTCAGGCACTGTGTGGCAC-T. GRCh37 (hg19) VCF-style: chr16-46743554-TTCAGGCACTGTGTGGCAC-T.
Other names: c.1256_1273del, p.Ser419_Leu424del (NM_001308301.1).
Identifiers: ClinVar variation 2759039 (VCV002759039.3), dbSNP rs2548897701, ClinGen allele CA2697555801.

ClinVar aggregate classification (germline): Uncertain significance (1 of 4 stars; one submission).

Submission:

Labcorp Genetics (formerly Invitae), Labcorp
Classification: Uncertain significance. Last evaluated: 2023-09-08. Review status: criteria provided, single submitter. Criteria: Invitae Variant Classification Sherloc (09022015). Collection method: clinical testing. Allele origin: germline.
Comment: This variant, c.2279_2296del, results in the deletion of 6 amino acid(s) of the MYLK3 protein (p.Ser760_Leu765del), but otherwise preserves the integrity of the reading frame. This variant is not present in population databases (gnomAD no frequency). This variant has not been reported in the literature in individuals affected with MYLK3-related conditions. Experimental studies and prediction algorithms are not available or were not evaluated, and the functional significance of this variant is currently unknown. In summary, the available evidence is currently insufficient to determine the role of this variant in disease. Therefore, it has been classified as a Variant of Uncertain Significance.